The following is an entry in ClinVar:

ClinVar aggregate classification (germline): Pathogenic. Review status: criteria provided, multiple submitters, no conflicts (2 of 4 stars). 3 submissions from 3 submitters: Pathogenic (3). Last evaluated 2025-04-04.

Conditions:
Hereditary cancer-predisposing syndrome. Also called: Neoplastic Syndromes, Hereditary; Hereditary Cancer Syndrome; Hereditary neoplastic syndrome; Tumor predisposition. Identifiers: Orphanet 140162, MedGen C0027672, MeSH D009386, MONDO:0015356.
Familial adenomatous polyposis 4 (FAP4). Also called: MSH3-related attenuated familial adenomatous polyposis. Identifiers: Orphanet 480536, MedGen C4310719, MONDO:0044300, OMIM 617100.

Submissions (3):

Ambry Genetics
Classification: Pathogenic for Hereditary cancer-predisposing syndrome. Last evaluated: 2025-04-04. Review status: criteria provided, single submitter. Criteria: Ambry Variant Classification Scheme 2023. Collection method: clinical testing. Allele origin: germline.
Comment: The c.2674dupA pathogenic mutation, located in coding exon 20 of the MSH3 gene, results from a duplication of A at nucleotide position 2674, causing a translational frameshift with a predicted alternate stop codon (p.M892Nfs*56). This variant is considered to be rare based on population cohorts in the Genome Aggregation Database (gnomAD). This alteration is expected to result in loss of function by premature protein truncation or nonsense-mediated mRNA decay. As such, this alteration is interpreted as a disease-causing mutation.

Myriad Genetics, Inc.
Classification: Pathogenic for Familial adenomatous polyposis 4. Last evaluated: 2023-08-31. Review status: criteria provided, single submitter. Criteria: Myriad Autosomal Dominant, Autosomal Recessive and X-Linked Classification Criteria (2023). Collection method: clinical testing. Allele origin: unknown.
Comment: This variant is considered pathogenic. This variant creates a frameshift predicted to result in premature protein truncation.

Labcorp Genetics (formerly Invitae), Labcorp
Classification: Pathogenic. Last evaluated: 2023-03-26. Review status: criteria provided, single submitter. Criteria: Invitae Variant Classification Sherloc (09022015). Collection method: clinical testing. Allele origin: germline.
Comment: This sequence change creates a premature translational stop signal (p.Met892Asnfs*56) in the MSH3 gene. It is expected to result in an absent or disrupted protein product. Loss-of-function variants in MSH3 are known to be pathogenic (PMID: 27476653). This variant is not present in population databases (gnomAD no frequency). This variant has not been reported in the literature in individuals affected with MSH3-related conditions. ClinVar contains an entry for this variant (Variation ID: 1456342). For these reasons, this variant has been classified as Pathogenic.

Literature cited by the submitters: PubMed 27476653 (cited by Labcorp Genetics (formerly Invitae), Labcorp).

NM_002439.5(MSH3):c.2674dup (p.Met892fs)

Gene: MSH3 (mutS homolog 3; plus strand). Cytogenetic location: 5q14.1.
Variant type: Duplication.
Coding change: c.2674dup on transcript NM_002439.5 (MANE Select); coding-DNA position 2674, one base duplicated (A; older notation c.2674dupA).
Protein change: p.Met892fs; shifts the reading frame from methionine 892.
Molecular consequence: frameshift variant.
Genome position (GRCh38, 1-based): chr5:80,813,602, A duplicated; the last of 2 consecutive A bases (chr5:80,813,601-80,813,602); duplicating either gives the same sequence. VCF-style (leftmost placement, unchanged base first): chr5-80813600-T-TA. GRCh37 (hg19) VCF-style: chr5-80109419-T-TA.
Other names: short protein forms M892fs.
Identifiers: ClinVar variation 1456342 (VCV001456342.10), dbSNP rs2112054145, ClinGen allele CA2573139934.